The following is an entry in ClinVar:

NM_000340.2(SLC2A2):c.226C>G (p.Pro76Ala)

Gene: SLC2A2 (solute carrier family 2 member 2; minus strand). Cytogenetic location: 3q26.2.
Variant type: single nucleotide variant.
Coding change: c.226C>G on transcript NM_000340.2 (MANE Select); coding-DNA position 226, C replaced by G.
Protein change: p.Pro76Ala; replaces proline 76 with alanine.
Molecular consequence: missense variant. On other transcripts: 5 prime UTR variant (1), intron variant (1).
Genome position (GRCh38, 1-based): chr3:171,014,614, G>C on the plus strand (C>G on the coding strand, the complement: SLC2A2 is on the minus strand). VCF-style: chr3-171014614-G-C. GRCh37 (hg19) VCF-style: chr3-170732403-G-C.
Other names: c.-169C>G (NM_001278659.2); c.14+3917C>G (NM_001278658.2); short protein forms P76A.
Identifiers: ClinVar variation 1949144 (VCV001949144.2), dbSNP rs1274084408, ClinGen allele CA355493282.
Genomic context (GRCh38, chr3:171,014,614, plus strand): 5'-GCATGGTGATTAGTTGAGCAGCTGCCACAGTCTCTTCCTCAGCCCAAGGGGTTGGTTTTG[G>C]GTTCATTGAGTATGAGATTGTGGGCAGTTCATCTGTACTGTTGATAACATAGTTGTTGAT-3'
Protein context (NP_000331.1, residues 66-86): ELPTISYSMN[Pro76Ala]KPTPWAEEET

ClinVar aggregate classification (germline): Uncertain significance (1 of 4 stars; one submission).

Conditions:
Fanconi-Bickel syndrome (FBS). Also called: Glycogen storage disease due to GLUT2 deficiency; PSEUDO-PHLORIZIN DIABETES; FANCONI SYNDROME WITH INTESTINAL MALABSORPTION AND GALACTOSE INTOLERANCE; HEPATIC GLYCOGENOSIS WITH AMINO ACIDURIA AND GLUCOSURIA; HEPATIC GLYCOGENOSIS WITH FANCONI NEPHROPATHY; HEPATORENAL GLYCOGENOSIS WITH RENAL FANCONI SYNDROME. Identifiers: Orphanet 2088, MedGen C3495427, MONDO:0009216, OMIM 227810.

Allele frequency attached by ClinVar (database versions not stated): gnomAD exomes 0.00005.
gnomAD v4.1: 77 of 1,614,096 alleles (0.0048%); highest among the groups gnomAD compares: Non-Finnish European, 0.0064%; 1 homozygote.

Submission:

Labcorp Genetics (formerly Invitae), Labcorp
Classification: Uncertain significance for Fanconi-Bickel syndrome. Last evaluated: 2022-02-18. Review status: criteria provided, single submitter. Criteria: Invitae Variant Classification Sherloc (09022015). Collection method: clinical testing. Allele origin: germline.
Comment: This sequence change replaces proline, which is neutral and non-polar, with alanine, which is neutral and non-polar, at codon 76 of the SLC2A2 protein (p.Pro76Ala). This variant is present in population databases (no rsID available, gnomAD 0.003%). This variant has not been reported in the literature in individuals affected with SLC2A2-related conditions. Advanced modeling of protein sequence and biophysical properties (such as structural, functional, and spatial information, amino acid conservation, physicochemical variation, residue mobility, and thermodynamic stability) performed at Invitae indicates that this missense variant is not expected to disrupt SLC2A2 protein function. In summary, the available evidence is currently insufficient to determine the role of this variant in disease. Therefore, it has been classified as a Variant of Uncertain Significance.